The following is an entry in ClinVar:

ClinVar aggregate classification (germline): Pathogenic. Review status: criteria provided, multiple submitters, no conflicts (2 of 4 stars). 2 submissions from 2 submitters: Pathogenic (2). Last evaluated 2020-07-01.

Conditions:
Hereditary cancer-predisposing syndrome. Also called: Neoplastic Syndromes, Hereditary; Tumor predisposition; Hereditary Cancer Syndrome; Hereditary neoplastic syndrome. Identifiers: Orphanet 140162, MedGen C0027672, MeSH D009386, MONDO:0015356.

Submissions (2):

Quest Diagnostics Nichols Institute San Juan Capistrano
Classification: Pathogenic. Last evaluated: 2020-07-01. Review status: criteria provided, single submitter. Criteria: Quest Diagnostics criteria. Collection method: clinical testing. Allele origin: unknown.
Comment: The variant results in a shift of the reading frame, and is therefore predicted to result in the loss of a functional protein. Found in at least one patient with expected phenotype for this gene, and not found in general population data.

Color Diagnostics, LLC DBA Color Health
Classification: Pathogenic for Hereditary cancer-predisposing syndrome. Last evaluated: 2020-01-15. Review status: criteria provided, single submitter. Criteria: ACMG Guidelines, 2015. Collection method: clinical testing. Allele origin: germline.
Comment: This variant deletes 4 nucleotides in exon 1 of the MSH6 gene, creating a frameshift and premature translation stop signal. This variant is expected to result in an absent or non-functional protein product. This variant has not been identified in the general population by the Genome Aggregation Database (gnomAD). Loss of MSH6 function is a known mechanism of disease. Based on the available evidence, this variant is classified as Pathogenic.

NM_000179.3(MSH6):c.80_83del (p.Ala27fs)

Gene: MSH6 (mutS homolog 6; plus strand). Cytogenetic location: 2p16.3.
Variant type: Deletion.
Coding change: c.80_83del on transcript NM_000179.3 (MANE Select); coding-DNA positions 80 to 83, 4 bases deleted (CCTC; older notation c.80_83delCCTC).
Protein change: p.Ala27fs; shifts the reading frame from alanine 27.
Molecular consequence: frameshift variant. On other transcripts: 5 prime UTR variant (1).
Genome position (GRCh38, 1-based): chr2:47,783,313-47,783,316, CCTC deleted. VCF-style (leftmost placement, unchanged base first): chr2-47783312-GCCTC-G. GRCh37 (hg19) VCF-style: chr2-48010451-GCCTC-G.
Other names: c.80_83del, p.Ala27fs (NM_001281492.2); c.-657_-654del (NM_001281493.2); short protein forms A27fs.
Identifiers: ClinVar variation 919128 (VCV000919128.4), dbSNP rs1668116875, ClinGen allele CA913187950.